The following is an entry in ClinVar:

ClinVar aggregate classification (germline): Benign. Review status: criteria provided, multiple submitters, no conflicts (2 of 4 stars). 10 submissions from 4 submitters: Benign (10). Last evaluated 2023-04-11.

Conditions:
Basal laminar drusen. Also called: DRUSEN OF BRUCH MEMBRANE; DRUSEN, CUTICULAR; DRUSEN, EARLY ADULT-ONSET, GROUPED. Identifiers: Orphanet 75376, MedGen C0730295, MONDO:0007472, OMIM 126700.
Factor H deficiency (CFHD). Also called: COMPLEMENT FACTOR H DEFICIENCY; CFH DEFICIENCY. Identifiers: Orphanet 200421, MedGen C0398777, MONDO:0012350, OMIM 609814.
CFH-Related Dense Deposit Disease / Membranoproliferative Glomerulonephritis Type II. Identifiers: MedGen CN071292.
Hemolytic uremic syndrome, atypical, susceptibility to, 1. Also called: AHUS, SUSCEPTIBILITY TO, 1. Identifiers: Orphanet 2134, Orphanet 90038, MedGen C2749604, MONDO:0009335, OMIM 235400. Disease mechanism: Other.
Age related macular degeneration 4. Identifiers: MedGen C1853147, MONDO:0012540, OMIM 610698.

Allele frequency attached by ClinVar (database versions not stated): gnomAD exomes 0.00166; gnomAD 0.01737 and 0.01872; TOPMed 0.01967; 1000 Genomes Project 0.01977; 1000 Genomes Project 30x 0.02046.
gnomAD v4.1: 4,919 of 1,474,208 alleles (0.33%); highest among the groups gnomAD compares: African/African-American, 5.9%; 126 homozygotes.

Submissions (15):

Genome-Nilou Lab
Classification: Benign for Hemolytic uremic syndrome, atypical, susceptibility to, 1. Last evaluated: 2023-04-11. Review status: criteria provided, single submitter. Criteria: ACMG Guidelines, 2015. Collection method: clinical testing. Allele origin: germline. Affected: no.

Genome-Nilou Lab
Classification: Benign for Age related macular degeneration 4. Last evaluated: 2023-04-11. Review status: criteria provided, single submitter. Criteria: ACMG Guidelines, 2015. Collection method: clinical testing. Allele origin: germline. Affected: no.

Genome-Nilou Lab
Classification: Benign for Basal laminar drusen. Last evaluated: 2023-04-11. Review status: criteria provided, single submitter. Criteria: ACMG Guidelines, 2015. Collection method: clinical testing. Allele origin: germline. Affected: no.

Genome-Nilou Lab
Classification: Benign for Factor H deficiency. Last evaluated: 2023-04-11. Review status: criteria provided, single submitter. Criteria: ACMG Guidelines, 2015. Collection method: clinical testing. Allele origin: germline. Affected: no.

GeneDx
Classification: Benign. Last evaluated: 2021-05-25. Review status: criteria provided, single submitter. Criteria: GeneDx Variant Classification Process June 2021. Collection method: clinical testing. Allele origin: germline. Affected: yes.

Illumina Laboratory Services, Illumina
Classification: Benign for Hemolytic uremic syndrome, atypical, susceptibility to, 1. Last evaluated: 2018-01-13. Review status: criteria provided, single submitter. Criteria: ICSL Variant Classification Criteria 13 December 2019. Collection method: clinical testing. Allele origin: germline.
Comment: This variant was observed in the ICSL laboratory as part of a predisposition screen in an ostensibly healthy population. It had not been previously curated by ICSL or reported in the Human Gene Mutation Database (HGMD: prior to June 1st, 2018), and was therefore a candidate for classification through an automated scoring system. Utilizing variant allele frequency, disease prevalence and penetrance estimates, and inheritance mode, an automated score was calculated to assess if this variant is too frequent to cause the disease. Based on the score and internal cut-off values, a variant classified as benign is not then subjected to further curation. The score for this variant resulted in a classification of benign for this disease.

Illumina Laboratory Services, Illumina
Classification: Benign for Age related macular degeneration 4. Last evaluated: 2018-01-13. Review status: criteria provided, single submitter. Criteria: ICSL Variant Classification Criteria 13 December 2019. Collection method: clinical testing. Allele origin: germline.
Comment: the same text as in the submission from Illumina Laboratory Services, Illumina above.

Illumina Laboratory Services, Illumina
Classification: Benign for Membranoproliferative glomerulonephritis with complement factor h deficiency. Last evaluated: 2018-01-13. Review status: criteria provided, single submitter. Criteria: ICSL Variant Classification Criteria 13 December 2019. Collection method: clinical testing. Allele origin: germline.
Comment: the same text as in the submission from Illumina Laboratory Services, Illumina above.

Illumina Laboratory Services, Illumina
Classification: Benign for Basal laminar drusen. Last evaluated: 2018-01-13. Review status: criteria provided, single submitter. Criteria: ICSL Variant Classification Criteria 13 December 2019. Collection method: clinical testing. Allele origin: germline.
Comment: the same text as in the submission from Illumina Laboratory Services, Illumina above.

Breakthrough Genomics
Classification: Benign. Review status: criteria provided, single submitter. Criteria: ACMG Guidelines, 2015. Collection method: not provided. Allele origin: germline. Inheritance: Autosomal recessive inheritance. Affected: yes.

Dr. Peter K. Rogan Lab, Western University
No classification provided (evidence only). Condition: Uterine corpus endometrial carcinoma. Review status: no classification provided. Collection method: in vitro. Allele origin: not applicable. Functional consequence: retained intron. Not counted in ClinVar's aggregate classification.

Dr. Peter K. Rogan Lab, Western University
No classification provided (evidence only). Condition: Uterine corpus endometrial carcinoma. Review status: no classification provided. Collection method: in vitro. Allele origin: not applicable. Functional consequence: retained intron. Not counted in ClinVar's aggregate classification.

Dr. Peter K. Rogan Lab, Western University
No classification provided (evidence only). Condition: Uterine corpus endometrial carcinoma. Review status: no classification provided. Collection method: in vitro. Allele origin: not applicable. Functional consequence: retained intron. Not counted in ClinVar's aggregate classification.

Dr. Peter K. Rogan Lab, Western University
No classification provided (evidence only). Condition: Cervical cancer. Review status: no classification provided. Collection method: in vitro. Allele origin: not applicable. Functional consequence: retained intron. Not counted in ClinVar's aggregate classification.

Dr. Peter K. Rogan Lab, Western University
No classification provided (evidence only). Condition: Ovarian serous cystadenocarcinoma. Review status: no classification provided. Collection method: in vitro. Allele origin: not applicable. Functional consequence: retained intron. Not counted in ClinVar's aggregate classification.

NM_000186.4(CFH):c.*98C>T

Gene: CFH (complement factor H; plus strand). Cytogenetic location: 1q31.3.
Variant type: single nucleotide variant.
Coding change: c.*98C>T on transcript NM_000186.4 (MANE Select); 98 bases downstream of the stop codon, C replaced by T.
Molecular consequence: 3 prime UTR variant.
Genome position (GRCh38, 1-based): chr1:196,747,411, C>T. VCF-style: chr1-196747411-C-T. GRCh37 (hg19) VCF-style: chr1-196716541-C-T.
Other names: NC_000001.10:g.196716541C>T.
Identifiers: ClinVar variation 294528 (VCV000294528.10), dbSNP rs35742764, ClinGen allele CA10609254.